The following is an entry in ClinVar:

ClinVar aggregate classification (germline): Benign (1 of 4 stars; one submission).

Conditions:
Leukodystrophy, hypomyelinating, 8, with or without oligodontia and/or hypogonadotropic hypogonadism. Also called: LEUKODYSTROPHY, HYPOMYELINATING, 8, WITH HYPODONTIA AND HYPOGONADOTROPIC HYPOGONADISM; Hypomyelinating leukodystrophy 8 with or without oligodontia and-or hypogonadotropic hypogonadism; Endosteal sclerosis-cerebellar hypoplasia syndrome. Identifiers: Orphanet 85186, Orphanet 88637, MedGen C3280644, MONDO:0013722, OMIM 614381.

Allele frequency attached by ClinVar (database versions not stated): 1000 Genomes Project 0.01697; 1000 Genomes Project 30x 0.00031; gnomAD 0.00070; TOPMed 0.00111.
gnomAD v4.1: 241 of 1,100,312 alleles (0.022%); highest among the groups gnomAD compares: African/African-American, 0.35%; no homozygotes.

Submission:

Illumina Laboratory Services, Illumina
Classification: Benign for Leukodystrophy, hypomyelinating, 8, with or without oligodontia and/or hypogonadotropic hypogonadism. Last evaluated: 2018-01-13. Review status: criteria provided, single submitter. Criteria: ICSL Variant Classification Criteria 13 December 2019. Collection method: clinical testing. Allele origin: germline.
Comment: This variant was observed in the ICSL laboratory as part of a predisposition screen in an ostensibly healthy population. It had not been previously curated by ICSL or reported in the Human Gene Mutation Database (HGMD: prior to June 1st, 2018), and was therefore a candidate for classification through an automated scoring system. Utilizing variant allele frequency, disease prevalence and penetrance estimates, and inheritance mode, an automated score was calculated to assess if this variant is too frequent to cause the disease. Based on the score and internal cut-off values, a variant classified as benign is not then subjected to further curation. The score for this variant resulted in a classification of benign for this disease.

NM_018082.6(POLR3B):c.-106A>G

Gene: POLR3B (RNA polymerase III subunit B; plus strand). Cytogenetic location: 12q23.3.
Variant type: single nucleotide variant.
Coding change: c.-106A>G on transcript NM_018082.6 (MANE Select); 106 bases upstream of the start codon, A replaced by G.
Molecular consequence: 5 prime UTR variant.
Genome position (GRCh38, 1-based): chr12:106,357,774, A>G. VCF-style: chr12-106357774-A-G. GRCh37 (hg19) VCF-style: chr12-106751552-A-G.
Identifiers: ClinVar variation 306922 (VCV000306922.5), dbSNP rs560914710, ClinGen allele CA10631961.